The following is an entry in ClinVar:

ClinVar aggregate classification (germline): Pathogenic (1 of 4 stars; one submission).

Submission:

ISCA Site 6
Classification: Pathogenic. Last evaluated: 2011-08-12. Review status: criteria provided, single submitter. Criteria: Kaminsky et al. (Genet Med. 2011). Collection method: clinical testing. Allele origin: de novo. Affected: yes. Observed: 1 variant allele.
Comment: Copy number variation identified through the course of routine clinical cytogenomic testing in postnatal populations. Clinical assertions have been curated as described in Kaminsky et al. 2011.

GRCh38/hg38 17p11.2(chr17:16713515-20340442)x3

Genes: AKAP10 (A-kinase anchoring protein 10; minus strand), ALDH3A1 (aldehyde dehydrogenase 3 family member A1; minus strand), ALDH3A2 (aldehyde dehydrogenase 3 family member A2; plus strand), ALKBH5 (alkB homolog 5, RNA demethylase; plus strand), ATPAF2 (ATP synthase mitochondrial F1 complex assembly factor 2; minus strand) and 245 more. Cytogenetic location: 17p11.2.
Variant type: copy number gain.
Change: copy number 3 (three copies instead of two) of chr17:16,713,515-20,340,442 (3.63 Mb, GRCh38 coordinates, 1-based), cytogenetic band 17p11.2.
Identifiers: ClinVar variation 58126 (VCV000058126.2).